The following is an entry in ClinVar:

NM_004260.4(RECQL4):c.1942A>G (p.Thr648Ala)

Gene: RECQL4 (RecQ like helicase 4; minus strand). Cytogenetic location: 8q24.3.
Variant type: single nucleotide variant.
Coding change: c.1942A>G on transcript NM_004260.4 (MANE Select); coding-DNA position 1942, A replaced by G.
Protein change: p.Thr648Ala; replaces threonine 648 with alanine.
Molecular consequence: missense variant.
Genome position (GRCh38, 1-based): chr8:144,514,044, T>C on the plus strand (A>G on the coding strand, the complement: RECQL4 is on the minus strand). VCF-style: chr8-144514044-T-C. GRCh37 (hg19) VCF-style: chr8-145739428-T-C.
Other names: short protein forms T648A.
Identifiers: ClinVar variation 645200 (VCV000645200.9), dbSNP rs1395849719, ClinGen allele CA372680448.

ClinVar aggregate classification (germline): Uncertain significance. Review status: criteria provided, multiple submitters, no conflicts (2 of 4 stars). 3 submissions from 3 submitters: Uncertain significance (3). Last evaluated 2025-12-15.

Conditions:
Baller-Gerold syndrome (BGS). Also called: CRANIOSYNOSTOSIS WITH RADIAL DEFECTS. Identifiers: Orphanet 1225, MedGen C0265308, MONDO:0009039, OMIM 218600.
Rothmund-Thomson syndrome type 2 (RTS2). Identifiers: Orphanet 221016, MedGen C5203410, MONDO:0016369, OMIM 268400.
Inborn genetic diseases. Identifiers: MedGen C0950123, MeSH D030342.

Allele frequency attached by ClinVar (database versions not stated): gnomAD exomes 0.00002 and 0.00004; gnomAD 0.00003 and 0.00004; TOPMed 0.00003.

Submissions (3):

Labcorp Genetics (formerly Invitae), Labcorp
Classification: Uncertain significance for Baller-Gerold syndrome. Last evaluated: 2025-12-15. Review status: criteria provided, single submitter. Criteria: Invitae Variant Classification Sherloc (09022015). Collection method: clinical testing. Allele origin: germline.
Comment: This sequence change replaces threonine, which is neutral and polar, with alanine, which is neutral and non-polar, at codon 648 of the RECQL4 protein (p.Thr648Ala). This variant is present in population databases (no rsID available, gnomAD 0.005%). This variant has not been reported in the literature in individuals affected with RECQL4-related conditions. ClinVar contains an entry for this variant (Variation ID: 645200). Invitae Evidence Modeling of protein sequence and biophysical properties (such as structural, functional, and spatial information, amino acid conservation, physicochemical variation, residue mobility, and thermodynamic stability) indicates that this missense variant is not expected to disrupt RECQL4 protein function with a negative predictive value of 80%. In summary, the available evidence is currently insufficient to determine the role of this variant in disease. Therefore, it has been classified as a Variant of Uncertain Significance.

St. Jude Molecular Pathology, St. Jude Children's Research Hospital
Classification: Uncertain significance for Rothmund-Thomson syndrome type 2. Last evaluated: 2025-06-17. Review status: criteria provided, single submitter. Criteria: St. Jude Assertion Criteria 2020. Collection method: clinical testing. Allele origin: germline.
Comment: The RECQL4 c.1942A>G p.(Thr648Ala) missense change has a maximum subpopulation frequency of 0.0053% in gnomAD v2.1.1. In silico tools are inconclusive about a pathogenic or benign effect of this variant on protein function, and to our knowledge functional studies have not been performed. To our knowledge, this variant has not been reported in individuals with RECQL4-associated conditions. In summary, the evidence currently available is insufficient to determine the clinical significance of this variant. It has therefore been classified as of uncertain significance.

Ambry Genetics
Classification: Uncertain significance for Inborn genetic diseases. Last evaluated: 2025-02-08. Review status: criteria provided, single submitter. Criteria: Ambry Variant Classification Scheme 2023. Collection method: clinical testing. Allele origin: germline.